The following is an entry in ClinVar:

NM_000018.4(ACADVL):c.604C>G (p.Leu202Val)

Gene: ACADVL (acyl-CoA dehydrogenase very long chain; plus strand). Cytogenetic location: 17p13.1.
Variant type: single nucleotide variant.
Coding change: c.604C>G on transcript NM_000018.4 (MANE Select); coding-DNA position 604, C replaced by G.
Protein change: p.Leu202Val; replaces leucine 202 with valine.
Molecular consequence: missense variant.
Genome position (GRCh38, 1-based): chr17:7,221,664, C>G. VCF-style: chr17-7221664-C-G. GRCh37 (hg19) VCF-style: chr17-7124983-C-G.
Other names: c.538C>G, p.Leu180Val (NM_001033859.3); c.673C>G, p.Leu225Val (NM_001270447.2); c.376C>G, p.Leu126Val (NM_001270448.2); c.604C>G (NM_000018.3); short protein forms L180V, L225V, L126V, L202V.
Identifiers: ClinVar variation 2042953 (VCV002042953.9), dbSNP rs2071234346, ClinGen allele CA397723261.

ClinVar aggregate classification (germline): Conflicting classifications of pathogenicity. Review status: criteria provided, conflicting classifications (1 of 4 stars). 6 submissions from 6 submitters: Pathogenic (1); Likely pathogenic (4); Uncertain significance (1). Last evaluated 2026-08-17.

Conditions:
ACADVL-related disorder. Also called: ACADVL-related condition.
Very long chain acyl-CoA dehydrogenase deficiency (ACADVLD). Also called: VLCAD Deficiency; Very Long-Chain Acyl-Coenzyme A Dehydrogenase Deficiency. Identifiers: Orphanet 26793, MedGen C3887523, MONDO:0008723, OMIM 201475.

Allele frequency attached by ClinVar (database versions not stated): gnomAD exomes below 0.00001; TOPMed 0.00001.
gnomAD v4.1: 1 of 1,613,902 alleles (0.000062%); highest among the groups gnomAD compares: Non-Finnish European, 0.000085%; no homozygotes.

Submissions (6):

Myriad Genetics, Inc.
Classification: Uncertain significance for Very long chain acyl-CoA dehydrogenase deficiency. Last evaluated: 2026-08-17. Review status: criteria provided, single submitter. Criteria: Myriad Autosomal Dominant, Autosomal Recessive and X-Linked Classification Criteria (2023). Collection method: clinical testing. Allele origin: unknown.
Comment: NM_000018.3(ACADVL):c.604C>G(L202V) is a missense variant classified as a variant of uncertain significance in the context of very-long-chain acyl-CoA dehydrogenase deficiency. L202V has been observed in a case with relevant disease (PMID: 32793418). Relevant functional assessments of this variant are not available in the literature. L202V has not been observed in referenced population frequency databases. In summary, there is insufficient evidence to classify NM_000018.3(ACADVL):c.604C>G(L202V) as pathogenic or benign. Please note: this variant was assessed in the context of healthy population screening.

OLLIN Analises Genomicas, OLLIN
Classification: Likely pathogenic for Very long chain acyl-CoA dehydrogenase deficiency. Last evaluated: 2026-02-13. Review status: criteria provided, single submitter. Criteria: ACMG Guidelines 2015 PMID 25741868. Collection method: clinical testing. Allele origin: germline. Observed: 1 variant allele.
Comment: PM2_P, PM5, PP3_S

PreventionGenetics, part of Exact Sciences
Classification: Likely pathogenic for ACADVL-related condition. Last evaluated: 2025-07-08. Review status: criteria provided, single submitter. Criteria: ACMG Guidelines, 2015. Collection method: clinical testing. Allele origin: germline.
Comment: The ACADVL c.604C>G variant is predicted to result in the amino acid substitution p.Leu202Val. This variant has been reported in a compound heterozygous individual with very long chain acyl-CoA dehydrogenase deficiency (VLCADD); functional studies also revealed reduced enzymatic activity in the individual (Maguolo et al. 2020. PubMed ID: 32793418). This variant has not been reported in a large population database (gnomAD), indicating this variant is rare. Other variants impacting this amino acid residue (p.Leu202His, p.Leu202Pro) have been reported in individuals with VLCADD (Schiff et al. 2013. PubMed ID: 23480858; Rovelli et al. 2019. PubMed ID: 31031081). Taken together, this variant is interpreted as likely pathogenic.

Fulgent Genetics
Classification: Likely pathogenic for Very long chain acyl-CoA dehydrogenase deficiency. Last evaluated: 2024-06-10. Review status: criteria provided, single submitter. Criteria: ACMG Guidelines, 2015. Collection method: clinical testing. Allele origin: germline.

Baylor Genetics
Classification: Likely pathogenic for Very long chain acyl-CoA dehydrogenase deficiency. Last evaluated: 2024-02-19. Review status: criteria provided, single submitter. Criteria: ACMG Guidelines, 2015. Collection method: clinical testing. Allele origin: unknown.

Labcorp Genetics (formerly Invitae), Labcorp
Classification: Pathogenic for Very long chain acyl-CoA dehydrogenase deficiency. Last evaluated: 2023-07-12. Review status: criteria provided, single submitter. Criteria: Invitae Variant Classification Sherloc (09022015). Collection method: clinical testing. Allele origin: germline.
Comment: For these reasons, this variant has been classified as Pathogenic. This variant disrupts the p.Leu202 amino acid residue in ACADVL. Other variant(s) that disrupt this residue have been determined to be pathogenic (PMID: 30194637). This suggests that this residue is clinically significant, and that variants that disrupt this residue are likely to be disease-causing. Advanced modeling of protein sequence and biophysical properties (such as structural, functional, and spatial information, amino acid conservation, physicochemical variation, residue mobility, and thermodynamic stability) performed at Invitae indicates that this missense variant is expected to disrupt ACADVL protein function. ClinVar contains an entry for this variant (Variation ID: 2042953). This missense change has been observed in individual(s) with very long-chain acyl-CoA dehydrogenase deficiency (PMID: 32793418). This variant is not present in population databases (gnomAD no frequency). This sequence change replaces leucine, which is neutral and non-polar, with valine, which is neutral and non-polar, at codon 202 of the ACADVL protein (p.Leu202Val).

Literature cited by the submitters: PubMed 32793418 (cited by Myriad Genetics, Inc. and Labcorp Genetics (formerly Invitae), Labcorp); PubMed 30194637 (cited by Labcorp Genetics (formerly Invitae), Labcorp).